The following is an entry in ClinVar:

ClinVar aggregate classification (germline): Conflicting classifications of pathogenicity. Review status: criteria provided, conflicting classifications (1 of 4 stars). 3 submissions from 3 submitters: Uncertain significance (1); Likely benign (2). Last evaluated 2026-04-14.

Conditions:
DICER1-related tumor predisposition. Also called: DICER1 syndrome; DICER1-related pleuropulmonary blastoma cancer predisposition syndrome. Identifiers: Orphanet 284343, MedGen C3839822, MONDO:0100216.

Allele frequency attached by ClinVar (database versions not stated): TOPMed 0.00001; gnomAD exomes 0.00001; ExAC 0.00001.

Submissions (3):

Myriad Genetics, Inc.
Classification: Likely benign for DICER1-related tumor predisposition. Last evaluated: 2026-04-14. Review status: criteria provided, single submitter. Criteria: Myriad Autosomal Dominant, Autosomal Recessive and X-Linked Classification Criteria (2023). Collection method: clinical testing. Allele origin: unknown.
Comment: This variant is considered likely benign. This variant is intronic and is not expected to impact mRNA splicing.

Labcorp Genetics (formerly Invitae), Labcorp
Classification: Likely benign for DICER1-related tumor predisposition. Last evaluated: 2025-10-13. Review status: criteria provided, single submitter. Criteria: Invitae Variant Classification Sherloc (09022015). Collection method: clinical testing. Allele origin: germline.

Illumina Laboratory Services, Illumina
Classification: Uncertain significance for Pleuropulmonary blastoma. Last evaluated: 2018-01-13. Review status: criteria provided, single submitter. Criteria: ICSL Variant Classification Criteria 13 December 2019. Collection method: clinical testing. Allele origin: germline.

NM_177438.3(DICER1):c.5365-9C>T

Gene: DICER1 (dicer 1, ribonuclease III; minus strand). Cytogenetic location: 14q32.13.
Variant type: single nucleotide variant.
Coding change: c.5365-9C>T on transcript NM_177438.3 (MANE Select); 9 bases into the intron before coding-DNA position 5365, C replaced by T.
Molecular consequence: intron variant.
Genome position (GRCh38, 1-based): chr14:95,091,374, G>A on the plus strand (C>T on the coding strand, the complement: DICER1 is on the minus strand). VCF-style: chr14-95091374-G-A. GRCh37 (hg19) VCF-style: chr14-95557711-G-A.
Other names: c.5365-9C>T (NM_001291628.2, NM_030621.4, NM_001271282.3); c.5365-265C>T (NM_001195573.1).
Identifiers: ClinVar variation 756400 (VCV000756400.17), dbSNP rs778669119, ClinGen allele CA7330672.